The following is an entry in ClinVar:

ClinVar aggregate classification (germline): Uncertain significance. Review status: criteria provided, multiple submitters, no conflicts (2 of 4 stars). 3 submissions from 3 submitters: Uncertain significance (2). 1 of the submissions does not count toward it. Last evaluated 2024-02-27.

Conditions:
NOTCH2-related disorder. Also called: NOTCH2-related condition.
Alagille syndrome due to a NOTCH2 point mutation. Also called: Alagille syndrome 2. Identifiers: Orphanet 261629, Orphanet 52, MedGen C1857761, MONDO:0012439, OMIM 610205.
Hajdu-Cheney syndrome (HJCYS). Also called: SERPENTINE FIBULA-POLYCYSTIC KIDNEY SYNDROME; Acroosteolysis dominant type; ACROOSTEOLYSIS WITH OSTEOPOROSIS AND CHANGES IN SKULL AND MANDIBLE. Identifiers: Orphanet 955, MedGen C0917715, MONDO:0007057, OMIM 102500.

Allele frequency attached by ClinVar (database versions not stated): TOPMed below 0.00001; ExAC 0.00001.
gnomAD v4.1: 2 of 1,613,710 alleles (0.00012%); highest among the groups gnomAD compares: African/African-American, 0.0027%; no homozygotes.

Submissions (3):

Fulgent Genetics
Classification: Uncertain significance for Hajdu-Cheney syndrome; Alagille syndrome due to a NOTCH2 point mutation. Last evaluated: 2024-02-27. Review status: criteria provided, single submitter. Criteria: ACMG Guidelines, 2015. Collection method: clinical testing. Allele origin: germline.

Labcorp Genetics (formerly Invitae), Labcorp
Classification: Uncertain significance for Hajdu-Cheney syndrome. Last evaluated: 2023-09-04. Review status: criteria provided, single submitter. Criteria: Invitae Variant Classification Sherloc (09022015). Collection method: clinical testing. Allele origin: germline.
Comment: This sequence change replaces glutamic acid, which is acidic and polar, with aspartic acid, which is acidic and polar, at codon 1617 of the NOTCH2 protein (p.Glu1617Asp). The frequency data for this variant in the population databases is considered unreliable, as metrics indicate poor data quality at this position in the gnomAD database. This variant has not been reported in the literature in individuals affected with NOTCH2-related conditions. Advanced modeling of protein sequence and biophysical properties (such as structural, functional, and spatial information, amino acid conservation, physicochemical variation, residue mobility, and thermodynamic stability) performed at Invitae indicates that this missense variant is not expected to disrupt NOTCH2 protein function. In summary, the available evidence is currently insufficient to determine the role of this variant in disease. Therefore, it has been classified as a Variant of Uncertain Significance.

PreventionGenetics, part of Exact Sciences
Classification: Uncertain significance for NOTCH2-related condition. Last evaluated: 2024-08-20. Review status: no assertion criteria provided. Collection method: clinical testing. Allele origin: germline. Not counted in ClinVar's aggregate classification.
Comment: The NOTCH2 c.4851G>T variant is predicted to result in the amino acid substitution p.Glu1617Asp. To our knowledge, this variant has not been reported in the literature. This variant is reported in 0.011% of alleles in individuals of African descent in gnomAD. At this time, the clinical significance of this variant is uncertain due to the absence of conclusive functional and genetic evidence.

NM_024408.4(NOTCH2):c.4851G>T (p.Glu1617Asp)

Gene: NOTCH2 (notch receptor 2; minus strand). Cytogenetic location: 1p12.
Variant type: single nucleotide variant.
Coding change: c.4851G>T on transcript NM_024408.4 (MANE Select); coding-DNA position 4851, G replaced by T.
Protein change: p.Glu1617Asp; replaces glutamic acid 1617 with aspartic acid.
Molecular consequence: missense variant.
Genome position (GRCh38, 1-based): chr1:119,923,645, C>A on the plus strand (G>T on the coding strand, the complement: NOTCH2 is on the minus strand). VCF-style: chr1-119923645-C-A. GRCh37 (hg19) VCF-style: chr1-120466268-C-A.
Other names: c.4851G>T (NM_024408.3); short protein forms E1617D.
Identifiers: ClinVar variation 3015003 (VCV003015003.5), dbSNP rs771883723, ClinGen allele CA1039791.